The following is an entry in ClinVar:

NM_001034853.2(RPGR):c.3020AAG[1] (p.Glu1008del)

Gene: RPGR (retinitis pigmentosa GTPase regulator; minus strand). Cytogenetic location: Xp11.4.
Variant type: Microsatellite.
Coding change: c.3020AAG[1] on transcript NM_001034853.2 (MANE Select); one copy of the 3-base unit AAG starting at c.3020; the reference has two copies in a row; one copy, 3 bases deleted.
Protein change: p.Glu1008del; deletes glutamic acid 1008.
Molecular consequence: inframe deletion. On other transcripts: intron variant (8).
Genome position (GRCh38, 1-based): chrX:38,285,974-38,285,976, CTT deleted on the plus strand (AAG on the coding strand, the reverse complement: RPGR is on the minus strand); deleting any 3 consecutive bases within chrX:38,285,974-38,285,980 gives the same sequence; the position shown is the placement nearest the transcript's 3' end. VCF-style (leftmost placement, unchanged base first): chrX-38285973-CCTT-C. GRCh37 (hg19) VCF-style: chrX-38145226-CCTT-C.
Other names: c.1569+4983_1569+4985del (NM_001367249.1, NM_001367250.1); c.1902+1118_1902+1120del (NM_001367245.1); c.1386+4983_1386+4985del (NM_001367251.1); c.1719+1118_1719+1120del (NM_001367246.1); c.1572+4983_1572+4985del (NM_001367247.1); c.1905+1118_1905+1120del (NM_000328.3); c.1602+4983_1602+4985del (NM_001367248.1); short protein forms E1008del.
Identifiers: ClinVar variation 2074232 (VCV002074232.4), dbSNP rs2067129078, ClinGen allele CA1132419335.

ClinVar aggregate classification (germline): Uncertain significance (1 of 4 stars; one submission).

Conditions:
Primary ciliary dyskinesia. Also called: Ciliary dyskinesia. Identifiers: Orphanet 244, MedGen C0008780, MONDO:0016575, HP:0012265.

Submission:

Labcorp Genetics (formerly Invitae), Labcorp
Classification: Uncertain significance for Primary ciliary dyskinesia. Last evaluated: 2022-06-17. Review status: criteria provided, single submitter. Criteria: Invitae Variant Classification Sherloc (09022015). Collection method: clinical testing. Allele origin: germline.
Comment: Experimental studies and prediction algorithms are not available or were not evaluated, and the functional significance of this variant is currently unknown. In summary, the available evidence is currently insufficient to determine the role of this variant in disease. Therefore, it has been classified as a Variant of Uncertain Significance. This variant has not been reported in the literature in individuals affected with RPGR (ORF15)-related conditions. This variant is not present in population databases (gnomAD no frequency). This variant, c.3023_3025del, results in the deletion of 1 amino acid(s) of the RPGR (ORF15) protein (p.Glu1008del), but otherwise preserves the integrity of the reading frame.